The following is an entry in ClinVar:

ClinVar aggregate classification (germline): Uncertain significance. Review status: criteria provided, multiple submitters, no conflicts (2 of 4 stars). 5 submissions from 5 submitters: Uncertain significance (5). Last evaluated 2025-11-17.

Conditions:
Drash syndrome (DDS). Also called: NEPHROPATHY, WILMS TUMOR, AND GENITAL ANOMALIES; WILMS TUMOR AND PSEUDO- OR TRUE HERMAPHRODITISM. Identifiers: Orphanet 220, MedGen C0950121, MONDO:0008682, OMIM 194080.
Nephrotic syndrome, type 4 (NPHS4). Also called: Familial mesangial sclerosis; Nephrotic syndrome, early onset with diffuse mesangial sclerosis. Identifiers: Orphanet 656, MedGen C3151568, MONDO:0009733, OMIM 256370.
Frasier syndrome. Identifiers: Orphanet 347, MedGen C0950122, MeSH D052159, MONDO:0007635, OMIM 136680.
Meacham syndrome. Also called: Meacham Winn Culler syndrome. Identifiers: Orphanet 3097, MedGen C1837026, MONDO:0012164, OMIM 608978.
Mesothelioma, malignant (MESOM). Also called: Malignant mesothelioma (disease). Identifiers: Orphanet 50251, MedGen C0345967, MONDO:0006292, OMIM 156240, HP:0100001.
Wilms tumor 1 (WT1). Also called: Wilms tumor, somatic. Identifiers: Orphanet 654, MedGen CN033288, MONDO:0008679, OMIM 194070.
WT1-related disorder. Also called: WT1-related disorders. Identifiers: MedGen CN377814.
11p partial monosomy syndrome (WAGR). Also called: CHROMOSOME 11p13 DELETION SYNDROME; WAGR Complex; WAGR Spectrum Disorder; WAGR syndrome. Identifiers: Orphanet 893, MedGen C0206115, MONDO:0008681, OMIM 194072.
Inborn genetic diseases. Identifiers: MedGen C0950123, MeSH D030342.

Submissions (5):

Ambry Genetics
Classification: Uncertain significance for Inborn genetic diseases. Last evaluated: 2025-11-17. Review status: criteria provided, single submitter. Criteria: Ambry Variant Classification Scheme 2023. Collection method: clinical testing. Allele origin: germline.
Comment: The p.M1? variant (also known as c.1_2delCTinsGG) is located in coding exon 1 of the WT1 gene and results from a deletion of CT and an insertion of GG nucleotides at nucleotide positions 1 to 2. This alters the methionine residue at the initiation codon (ATG). Variations that modify the initiation codon (ATG) are expected to result in either loss of translation initiation, N-terminal truncation, or cause a shift in the mRNA reading frame; however, there is an in-frame methionine 68 amino acids from the initiation site, which may result in N-terminal truncation of unknown functional significance. Based on the available evidence, the clinical significance of this variant remains unclear.

PreventionGenetics, part of Exact Sciences
Classification: Uncertain significance for WT1-related condition. Last evaluated: 2024-11-30. Review status: criteria provided, single submitter. Criteria: ACMG Guidelines, 2015. Collection method: clinical testing. Allele origin: germline.
Comment: The WT1 c.1_2delinsGG variant is predicted to disrupt the translation initiation site (Start loss). This variant is also known as c.16_17delinsGG (p.Leu6Gly) under the most recent transcript version NM_024426.6. To our knowledge, this variant has not been reported in the literature or in a large population database (gnomAD), indicating this variant is rare. There is a downstream in-frame ATG at codon 75 in the NM_024426.6 transcript that could serve as an alternate initiator codon, which may result in a functional protein (Bruening et al. 1996. PubMed ID: 8621495); however, the functional and clinical significance of this shorter WT1 isoform is unknown. This variant has an interpretation of uncertain significance in ClinVar. At this time, the clinical significance of this variant is uncertain due to the absence of conclusive functional and genetic evidence.

Fulgent Genetics
Classification: Uncertain significance for Frasier syndrome; Mesothelioma, malignant; Wilms tumor 1; Drash syndrome; Nephrotic syndrome, type 4; Meacham syndrome. Last evaluated: 2024-04-20. Review status: criteria provided, single submitter. Criteria: ACMG Guidelines, 2015. Collection method: clinical testing. Allele origin: germline.

GeneDx
Classification: Uncertain significance. Last evaluated: 2023-10-10. Review status: criteria provided, single submitter. Criteria: GeneDx Variant Classification Process June 2021. Collection method: clinical testing. Allele origin: germline. Affected: yes.
Comment: Not observed at significant frequency in large population cohorts (gnomAD); Variant results in loss of initiation codon; however a downstream in-frame ATG could serve as an alternate initiator codon which may result in a smaller, yet still functional, protein (Bruening et al., 1996; Scharnhorst et al., 1999; Yang et al., 2007).; This variant is associated with the following publications: (PMID: 33087929, 17361230, 8621495, 10438524)

Labcorp Genetics (formerly Invitae), Labcorp
Classification: Uncertain significance for Wilms tumor 1; Drash syndrome; 11p partial monosomy syndrome; Frasier syndrome. Last evaluated: 2022-03-15. Review status: criteria provided, single submitter. Criteria: Invitae Variant Classification Sherloc (09022015). Collection method: clinical testing. Allele origin: germline.
Comment: This sequence change affects the initiator methionine of the WT1 mRNA. The next in-frame methionine is located at codon 69. It is unclear whether it will result in an absent or disrupted protein product because a major initiation site located at codon 69 has the potential to rescue this variant. Information on the frequency of this variant in the gnomAD database is not available, as this variant may be reported differently in the database. This variant has not been reported in the literature in individuals affected with WT1-related conditions. Experimental studies and prediction algorithms are not available or were not evaluated, and the functional significance of this variant is currently unknown. In summary, the available evidence is currently insufficient to determine the role of this variant in disease. Therefore, it has been classified as a Variant of Uncertain Significance. Downstream of the non-canonical translation start site (CTG) at codon 1, the nearest methionine codon that can be used to initiate translation of the WT1 protein lies at codon 69. This downstream in-frame ATG is known as a major initiation site (PMID: 28811308, 16987884, 8621495). The functional significance of the different WT1 protein isoforms is unknown (PMID: 8621495), however mice lacking the N-terminal 68 amino acids develop normally and are fertile (PMID: 12640141). Based on these results, the impact of this variant on WT1 protein function is uncertain.

Literature cited by the submitters: PubMed 28811308 (cited by Labcorp Genetics (formerly Invitae), Labcorp); PubMed 16987884 (cited by Labcorp Genetics (formerly Invitae), Labcorp); PubMed 8621495 (cited by Labcorp Genetics (formerly Invitae), Labcorp); PubMed 12640141 (cited by Labcorp Genetics (formerly Invitae), Labcorp).

NM_024426.6(WT1):c.16_17delinsGG (p.Leu6Gly)

Genes: WT1 (WT1 transcription factor; minus strand), LOC107982234 (WT1/WT1-AS bi-directional promoter region; plus strand). Cytogenetic location: 11p13.
Variant type: Indel.
Coding change: c.16_17delinsGG on transcript NM_024426.6 (MANE Select); coding-DNA positions 16 to 17, CT replaced by GG.
Protein change: p.Leu6Gly; replaces leucine 6 with glycine.
Molecular consequence: missense variant. On other transcripts: non-coding transcript variant (1).
Genome position (GRCh38, 1-based): chr11:32,435,344-32,435,345, AG replaced by CC on the plus strand (CT replaced by GG on the coding strand, the reverse complement: WT1 is on the minus strand). VCF-style: chr11-32435344-AG-CC. GRCh37 (hg19) VCF-style: chr11-32456890-AG-CC.
Other names: c.1_2delinsGG (NM_024426.4); c.1_2delCTinsGG (NM_024426.4); c.16_17delinsGG, p.Leu6Gly (NM_000378.6, NM_024424.5); c.16_17delCTinsGG, p.Leu6Gly (NM_001407044.1, NM_001407045.1, NM_001407046.1 and 4 more transcripts); c.1_2delCTinsGG, p.Met1Gly (NM_024425.2); short protein forms M1G, L6G.
Identifiers: ClinVar variation 2155557 (VCV002155557.8), dbSNP rs2494490498, ClinGen allele CA2580084217.